The following is an entry in ClinVar:

NM_001098511.3(KIF2A):c.765G>A (p.Met255Ile)

Gene: KIF2A (kinesin family member 2A; plus strand). Cytogenetic location: 5q12.1.
Variant type: single nucleotide variant.
Coding change: c.765G>A on transcript NM_001098511.3 (MANE Select); coding-DNA position 765, G replaced by A.
Protein change: p.Met255Ile; replaces methionine 255 with isoleucine.
Molecular consequence: missense variant.
Genome position (GRCh38, 1-based): chr5:62,358,192, G>A. VCF-style: chr5-62358192-G-A. GRCh37 (hg19) VCF-style: chr5-61654019-G-A.
Other names: c.684G>A, p.Met228Ile (NM_001243952.2); c.708G>A, p.Met236Ile (NM_001243953.2); c.765G>A, p.Met255Ile (NM_004520.5); short protein forms M228I, M236I, M255I.
Identifiers: ClinVar variation 3901800 (VCV003901800.1).

ClinVar aggregate classification (germline): Uncertain significance (1 of 4 stars; one submission).

gnomAD v4.1: 1 of 1,595,110 alleles (0.000063%); highest among the groups gnomAD compares: Non-Finnish European, 0.000085%; no homozygotes.

Submission:

GeneDx
Classification: Uncertain significance. Last evaluated: 2024-12-05. Review status: criteria provided, single submitter. Criteria: GeneDx Variant Classification Process June 2021. Collection method: clinical testing. Allele origin: germline. Affected: yes.
Comment: Not observed at significant frequency in large population cohorts (gnomAD); In silico analysis indicates that this missense variant does not alter protein structure/function; Has not been previously published as pathogenic or benign to our knowledge